The following is an entry in ClinVar:

ClinVar aggregate classification (germline): Uncertain significance (1 of 4 stars; one submission).

Conditions:
Tatton-Brown-Rahman overgrowth syndrome. Also called: Tall stature-intellectual disability-facial dysmorphism syndrome; Tatton-Brown-Rahman syndrome. Identifiers: Orphanet 404443, MedGen C4014545, MONDO:0014382, OMIM 615879.

Submission:

Labcorp Genetics (formerly Invitae), Labcorp
Classification: Uncertain significance for Tatton-Brown-Rahman overgrowth syndrome. Last evaluated: 2022-11-10. Review status: criteria provided, single submitter. Criteria: Invitae Variant Classification Sherloc (09022015). Collection method: clinical testing. Allele origin: germline.
Comment: Experimental studies and prediction algorithms are not available or were not evaluated, and the functional significance of this variant is currently unknown. This variant has not been reported in the literature in individuals affected with DNMT3A-related conditions. Information on the frequency of this variant in the gnomAD database is not available, as this variant may be reported differently in the database. This sequence change falls in intron 16 of the DNMT3A gene. It does not directly change the encoded amino acid sequence of the DNMT3A protein. In summary, the available evidence is currently insufficient to determine the role of this variant in disease. Therefore, it has been classified as a Variant of Uncertain Significance.

NM_022552.5(DNMT3A):c.1937-18_1937-17delinsTC

Gene: DNMT3A (DNA methyltransferase 3 alpha; minus strand). Cytogenetic location: 2p23.3.
Variant type: Indel.
Coding change: c.1937-18_1937-17delinsTC on transcript NM_022552.5 (MANE Select); 18 bases into the intron before coding-DNA position 1937 through 17 bases into the intron before coding-DNA position 1937, GT replaced by TC.
Molecular consequence: intron variant.
Genome position (GRCh38, 1-based): chr2:25,241,724-25,241,725, AC replaced by GA on the plus strand (GT replaced by TC on the coding strand, the reverse complement: DNMT3A is on the minus strand). VCF-style: chr2-25241724-AC-GA. GRCh37 (hg19) VCF-style: chr2-25464593-AC-GA.
Other names: c.1937-18_1937-17delinsTC (NM_175629.2); c.1370-18_1370-17delinsTC (NM_153759.3); c.1481-18_1481-17delinsTC (NM_001320893.1); c.1268-18_1268-17delinsTC (NM_001375819.1).
Identifiers: ClinVar variation 2971241 (VCV002971241.3), dbSNP rs2465424647, ClinGen allele CA2740092734.